The following is an entry in ClinVar:

ClinVar aggregate classification (germline): Pathogenic (0 of 4 stars; one submission).

Submission:

Diagnostics Centre, Carl Von Ossietzky University Oldenburg
Classification: Pathogenic. Last evaluated: 2024-08-15. Review status: no assertion criteria provided. Collection method: clinical testing. Allele origin: germline. Affected: yes. Observed: 1 variant allele.
Comment: The identified alteration is a heterozygous intragenic deletion in CASK with a size of approximately 8 kb, encompassing exons 23, 24, and 25. CASK is a gene with a high intolerance to genetic variation leading to loss of function (LOEUF score 0.07, pLI score 1). In silico tools predicts that The deletion of these three exons is predicted to cause a frameshift and consequently lead to nonsense-mediated mRNA decay (NMD). Therefore, this variant is considered a so-called null variant, which (in females) is associated with the clinical phenotype of “X-linked intellectual disability – microcephaly – pontocerebellar hypoplasia” (see also gene description). In summary, this deletion is classified as Pathogenic.

GRCh38/hg38 Xp11.4(chrX:41530454-41538463)x1

Gene: CASK (calcium/calmodulin dependent serine protein kinase; minus strand). Cytogenetic location: Xp11.4.
Variant type: copy number loss.
Change: copy number 1 of chrX:41,530,454-41,538,463 (8.0 kb, GRCh38 coordinates, 1-based), cytogenetic band Xp11.4.
Identifiers: ClinVar variation 4886801 (VCV004886801.1).